The following is an entry in ClinVar:

ClinVar aggregate classification (germline): Likely benign. Review status: criteria provided, multiple submitters, no conflicts (2 of 4 stars). 3 submissions from 3 submitters: Likely benign (2). 1 of the submissions does not count toward it. Last evaluated 2018-01-24.

Conditions:
EOMES-related disorder. Also called: EOMES-related condition.

Allele frequency attached by ClinVar (database versions not stated): 1000 Genomes Project 30x 0.00031; 1000 Genomes Project 0.00040; TOPMed 0.00115; gnomAD 0.00122; ExAC 0.00290.
gnomAD v4.1: 2,385 of 1,526,144 alleles (0.16%); highest among the groups gnomAD compares: Middle Eastern, 0.93%; 5 homozygotes.

Submissions (3):

Labcorp Genetics (formerly Invitae), Labcorp
Classification: Likely benign. Last evaluated: 2018-01-24. Review status: criteria provided, single submitter. Criteria: Invitae Variant Classification Sherloc (09022015). Collection method: clinical testing. Allele origin: germline.

Breakthrough Genomics
Classification: Likely benign. Review status: criteria provided, single submitter. Criteria: ACMG Guidelines, 2015. Collection method: not provided. Allele origin: germline. Inheritance: Unknown mechanism. Affected: yes.

PreventionGenetics, part of Exact Sciences
Classification: Likely benign for EOMES-related condition. Last evaluated: 2019-12-13. Review status: no assertion criteria provided. Collection method: clinical testing. Allele origin: germline. Not counted in ClinVar's aggregate classification.
Comment: This variant is classified as likely benign based on ACMG/AMP sequence variant interpretation guidelines (Richards et al. 2015 PMID: 25741868, with internal and published modifications).

NM_001278182.2(EOMES):c.271A>C (p.Ser91Arg)

Gene: EOMES (eomesodermin; minus strand). Cytogenetic location: 3p24.1.
Variant type: single nucleotide variant.
Coding change: c.271A>C on transcript NM_001278182.2 (MANE Select); coding-DNA position 271, A replaced by C.
Protein change: p.Ser91Arg; replaces serine 91 with arginine.
Molecular consequence: missense variant. On other transcripts: intron variant (1).
Genome position (GRCh38, 1-based): chr3:27,722,024, T>G on the plus strand (A>C on the coding strand, the complement: EOMES is on the minus strand). VCF-style: chr3-27722024-T-G. GRCh37 (hg19) VCF-style: chr3-27763515-T-G.
Other names: c.271A>C, p.Ser91Arg (NM_005442.4); c.-5+406A>C (NM_001278183.2); short protein forms S91R.
Identifiers: ClinVar variation 718935 (VCV000718935.6), dbSNP rs529375594, ClinGen allele CA2292789.